The following is an entry in ClinVar:

ClinVar aggregate classification (germline): Uncertain significance. Review status: criteria provided, multiple submitters, no conflicts (2 of 4 stars). 2 submissions from 2 submitters: Uncertain significance (2). Last evaluated 2026-03-05.

Conditions:
Oculodentodigital dysplasia, autosomal recessive. Also called: OCULODENTOOSSEOUS DYSPLASIA, AUTOSOMAL RECESSIVE; ODDD, AUTOSOMAL RECESSIVE; ODOD, AUTOSOMAL RECESSIVE. Identifiers: Orphanet 2710, MedGen C2749477, MONDO:0009768, OMIM 257850.

Allele frequency attached by ClinVar (database versions not stated): gnomAD 0.00001; TOPMed 0.00002; ExAC 0.00003; gnomAD exomes 0.00003 and 0.00006.
gnomAD v4.1: 19 of 1,613,950 alleles (0.0012%); highest among the groups gnomAD compares: Admixed American, 0.022%; no homozygotes.

Submissions (2):

GeneDx
Classification: Uncertain significance. Last evaluated: 2026-03-05. Review status: criteria provided, single submitter. Criteria: GeneDx Variant Classification Process June 2021. Collection method: clinical testing. Allele origin: germline.
Comment: In silico analysis suggests that this missense variant does not alter protein structure/function; Has not been previously published as pathogenic or benign to our knowledge

Labcorp Genetics (formerly Invitae), Labcorp
Classification: Uncertain significance for Oculodentodigital dysplasia, autosomal recessive. Last evaluated: 2025-12-04. Review status: criteria provided, single submitter. Criteria: Invitae Variant Classification Sherloc (09022015). Collection method: clinical testing. Allele origin: germline.
Comment: This sequence change replaces asparagine, which is neutral and polar, with serine, which is neutral and polar, at codon 302 of the GJA1 protein (p.Asn302Ser). This variant is present in population databases (rs746806096, gnomAD 0.03%). This variant has not been reported in the literature in individuals affected with GJA1-related conditions. ClinVar contains an entry for this variant (Variation ID: 1026214). Invitae Evidence Modeling of protein sequence and biophysical properties (such as structural, functional, and spatial information, amino acid conservation, physicochemical variation, residue mobility, and thermodynamic stability) has been performed for this missense variant. However, the output from this modeling did not meet the statistical confidence thresholds required to predict the impact of this variant on GJA1 protein function. In summary, the available evidence is currently insufficient to determine the role of this variant in disease. Therefore, it has been classified as a Variant of Uncertain Significance.

NM_000165.5(GJA1):c.905A>G (p.Asn302Ser)

Gene: GJA1 (gap junction protein alpha 1; plus strand). Cytogenetic location: 6q22.31.
Variant type: single nucleotide variant.
Coding change: c.905A>G on transcript NM_000165.5 (MANE Select); coding-DNA position 905, A replaced by G.
Protein change: p.Asn302Ser; replaces asparagine 302 with serine.
Molecular consequence: missense variant.
Genome position (GRCh38, 1-based): chr6:121,447,752, A>G. VCF-style: chr6-121447752-A-G. GRCh37 (hg19) VCF-style: chr6-121768898-A-G.
Other names: c.905A>G (NM_000165.3); short protein forms N302S.
Identifiers: ClinVar variation 1026214 (VCV001026214.9), dbSNP rs746806096, ClinGen allele CA3981784.